The following is an entry in ClinVar:

NM_020423.7(SCYL3):c.1047T>C (p.His349=)

Gene: SCYL3 (SCY1 like pseudokinase 3; minus strand). Cytogenetic location: 1q24.2.
Variant type: single nucleotide variant.
Coding change: c.1047T>C on transcript NM_020423.7 (MANE Select); coding-DNA position 1047, T replaced by C.
Protein change: p.His349=; no amino-acid change (histidine 349 retained).
Molecular consequence: synonymous variant.
Genome position (GRCh38, 1-based): chr1:169,862,706, A>G on the plus strand (T>C on the coding strand, the complement: SCYL3 is on the minus strand). VCF-style: chr1-169862706-A-G. GRCh37 (hg19) VCF-style: chr1-169831847-A-G.
Other names: c.1047T>C, p.His349= (NM_181093.4).
Identifiers: ClinVar variation 2639543 (VCV002639543.24), dbSNP rs146854464, ClinGen allele CA1237832.

ClinVar aggregate classification (germline): Likely benign (1 of 4 stars; one submission).

Allele frequency attached by ClinVar (database versions not stated): 1000 Genomes Project 0.00040; TOPMed 0.00044; 1000 Genomes Project 30x 0.00047; ExAC 0.00061; gnomAD 0.00077; ESP Exome Variant Server 0.00092.
gnomAD v4.1: 1,296 of 1,614,206 alleles (0.08%); highest among the groups gnomAD compares: Non-Finnish European, 0.094%; no homozygotes.

Submission:

CeGaT Center for Human Genetics Tuebingen
Classification: Likely benign. Last evaluated: 2022-06-01. Review status: criteria provided, single submitter. Criteria: CeGaT Center For Human Genetics Tuebingen Variant Classification Criteria Version 2. Collection method: clinical testing. Allele origin: germline. Affected: yes. Observed: 1 variant allele.
Comment: SCYL3: BP4, BP7